The following is an entry in ClinVar:

ClinVar aggregate classification (germline): Uncertain significance (1 of 4 stars; one submission).

Conditions:
Intellectual disability. Also called: Intellectual functioning disability; intellectual disabilities; Intellectual developmental disorder. Identifiers: MedGen C3714756, MeSH D008607, MONDO:0001071, HP:0001249.

Allele frequency attached by ClinVar (database versions not stated): gnomAD 0.00001; TOPMed 0.00003.
gnomAD v4.1: 19 of 1,612,170 alleles (0.0012%); highest among the groups gnomAD compares: Middle Eastern, 0.033%; no homozygotes.

Submission:

Labcorp Genetics (formerly Invitae), Labcorp
Classification: Uncertain significance for Intellectual disability. Last evaluated: 2023-07-25. Review status: criteria provided, single submitter. Criteria: Invitae Variant Classification Sherloc (09022015). Collection method: clinical testing. Allele origin: germline.
Comment: In summary, the available evidence is currently insufficient to determine the role of this variant in disease. Therefore, it has been classified as a Variant of Uncertain Significance. Advanced modeling of protein sequence and biophysical properties (such as structural, functional, and spatial information, amino acid conservation, physicochemical variation, residue mobility, and thermodynamic stability) performed at Invitae indicates that this missense variant is not expected to disrupt GABRB2 protein function. ClinVar contains an entry for this variant (Variation ID: 1898482). This variant has not been reported in the literature in individuals affected with GABRB2-related conditions. This variant is present in population databases (rs761229229, gnomAD 0.006%). This sequence change replaces aspartic acid, which is acidic and polar, with asparagine, which is neutral and polar, at codon 195 of the GABRB2 protein (p.Asp195Asn).

NM_001371727.1(GABRB2):c.583G>A (p.Asp195Asn)

Gene: GABRB2 (gamma-aminobutyric acid type A receptor subunit beta2; minus strand). Cytogenetic location: 5q34.
Variant type: single nucleotide variant.
Coding change: c.583G>A on transcript NM_001371727.1 (MANE Select); coding-DNA position 583, G replaced by A.
Protein change: p.Asp195Asn; replaces aspartic acid 195 with asparagine.
Molecular consequence: missense variant.
Genome position (GRCh38, 1-based): chr5:161,336,728, C>T on the plus strand (G>A on the coding strand, the complement: GABRB2 is on the minus strand). VCF-style: chr5-161336728-C-T. GRCh37 (hg19) VCF-style: chr5-160763735-C-T.
Other names: c.583G>A, p.Asp195Asn (NM_000813.3, NM_021911.3); short protein forms D195N.
Identifiers: ClinVar variation 1898482 (VCV001898482.5), dbSNP rs761229229, ClinGen allele CA3543519.
Genomic context (GRCh38, chr5:161,336,728, plus strand): 5'-AATCTACAATAGAGAACTGTGGAAGTTCAATTTTCGTTACTCCTGTTACTGCATTATCAT[C>T]GCCACGCCAGTAAAACTCAATGTCATCAGTTGTGTATCCATCTGTGAAAGGAAACATACA-3'
Protein context (NP_001358656.1, residues 185-205): TDDIEFYWRG[Asp195Asn]DNAVTGVTKI